The following is an entry in ClinVar:

ClinVar aggregate classification (germline): Uncertain significance (1 of 4 stars; one submission).

Conditions:
Inborn genetic diseases. Identifiers: MedGen C0950123, MeSH D030342.

Allele frequency attached by ClinVar (database versions not stated): gnomAD exomes below 0.00001; TOPMed below 0.00001; gnomAD 0.00001.
gnomAD v4.1: 3 of 1,613,994 alleles (0.00019%); highest among the groups gnomAD compares: African/African-American, 0.004%; no homozygotes.

Submission:

Ambry Genetics
Classification: Uncertain significance for Inborn genetic diseases. Last evaluated: 2016-08-26. Review status: criteria provided, single submitter. Criteria: Ambry Variant Classification Scheme 2023. Collection method: clinical testing. Allele origin: germline.
Comment: The p.E1404K variant (also known as c.4210G>A), located in coding exon 16 of the KAT6A gene, results from a G to A substitution at nucleotide position 4210. The glutamic acid at codon 1404 is replaced by lysine, an amino acid with similar properties. This variant was not reported in population based cohorts in the following databases: Database of Single Nucleotide Polymorphisms (dbSNP), NHLBI Exome Sequencing Project (ESP), and 1000 Genomes Project. In the ESP, this variant was not observed in 6503 samples (13006 alleles) with coverage at this position. This amino acid position is well conserved in available vertebrate species. In addition, the in silico prediction for this alteration is inconclusive. Since supporting evidence is limited at this time, the clinical significance of this alteration remains unclear.

NM_006766.5(KAT6A):c.4210G>A (p.Glu1404Lys)

Gene: KAT6A (lysine acetyltransferase 6A; minus strand). Cytogenetic location: 8p11.21.
Variant type: single nucleotide variant.
Coding change: c.4210G>A on transcript NM_006766.5 (MANE Select); coding-DNA position 4210, G replaced by A.
Protein change: p.Glu1404Lys; replaces glutamic acid 1404 with lysine.
Molecular consequence: missense variant.
Genome position (GRCh38, 1-based): chr8:41,934,010, C>T on the plus strand (G>A on the coding strand, the complement: KAT6A is on the minus strand). VCF-style: chr8-41934010-C-T. GRCh37 (hg19) VCF-style: chr8-41791528-C-T.
Other names: short protein forms E1404K.
Identifiers: ClinVar variation 589359 (VCV000589359.5), dbSNP rs1264062552, ClinGen allele CA371066599.